The following is an entry in ClinVar:

NM_015335.5(MED13L):c.1717C>A (p.Pro573Thr)

Gene: MED13L (mediator complex subunit 13L; minus strand). Cytogenetic location: 12q24.21.
Variant type: single nucleotide variant.
Coding change: c.1717C>A on transcript NM_015335.5 (MANE Select); coding-DNA position 1717, C replaced by A.
Protein change: p.Pro573Thr; replaces proline 573 with threonine.
Molecular consequence: missense variant.
Genome position (GRCh38, 1-based): chr12:116,008,696, G>T on the plus strand (C>A on the coding strand, the complement: MED13L is on the minus strand). VCF-style: chr12-116008696-G-T. GRCh37 (hg19) VCF-style: chr12-116446501-G-T.
Other names: short protein forms P573T.
Identifiers: ClinVar variation 1699667 (VCV001699667.2), dbSNP rs368307140, ClinGen allele CA244165195.
Genomic context (GRCh38, chr12:116,008,696, plus strand): 5'-ACAACTGCTGGAGTTCTAGTCCATTTCCATAAAGGGCTGGATTCACAGGGACCGATGGTG[G>T]GTCCAAACTCTCTGTTTCCTGACCTCGTGGCTGAGGGCTGAGTGTTGGTGGCAGAGGGGA-3'
Protein context (NP_056150.1, residues 563-583): PRGQETESLD[Pro573Thr]PSVPVNPALY

ClinVar aggregate classification (germline): Uncertain significance (1 of 4 stars; one submission).

Allele frequency attached by ClinVar (database versions not stated): gnomAD exomes 0.00001; TOPMed 0.00002; ESP Exome Variant Server 0.00008.
gnomAD v4.1: 4 of 1,614,008 alleles (0.00025%); highest among the groups gnomAD compares: Admixed American, 0.0017%; no homozygotes.

Submission:

GeneDx
Classification: Uncertain significance. Last evaluated: 2022-01-31. Review status: criteria provided, single submitter. Criteria: GeneDx Variant Classification Process June 2021. Collection method: clinical testing. Allele origin: germline. Affected: yes.
Comment: In silico analysis supports that this missense variant does not alter protein structure/function; Has not been previously published as pathogenic or benign to our knowledge